The following is an entry in ClinVar:

ClinVar aggregate classification (germline): Pathogenic/Likely pathogenic. Review status: criteria provided, multiple submitters, no conflicts (2 of 4 stars). 6 submissions from 6 submitters: Pathogenic (4); Likely pathogenic (1). 1 of the submissions does not count toward it. Last evaluated 2026-02-10.

Conditions:
Autosomal recessive inherited pseudoxanthoma elasticum (PXE). Identifiers: Orphanet 758, MedGen CN032334, MONDO:0009925, OMIM 264800.
Arterial calcification, generalized, of infancy, 2. Identifiers: Orphanet 51608, MedGen C3276161, MONDO:0013768, OMIM 614473.
Pseudoxanthoma elasticum, forme fruste. Also called: Pseudoxanthoma Elasticum, Incomplete; PSEUDOXANTHOMA ELASTICUM, HETEROZYGOUS. Identifiers: Orphanet 758, MedGen C1867450, MONDO:0008333, OMIM 177850.
Autosomal recessive ABCC6-related disorders.
ABCC6-related disorder. Also called: ABCC6-related condition.

Allele frequency attached by ClinVar (database versions not stated): ExAC 0.00001; gnomAD 0.00001; TOPMed 0.00002; gnomAD exomes 0.00004.
gnomAD v4.1: 48 of 1,612,140 alleles (0.003%); highest among the groups gnomAD compares: Middle Eastern, 0.02%; no homozygotes.

Submissions (6):

Dasa
Classification: Pathogenic. Last evaluated: 2026-02-10. Review status: criteria provided, single submitter. Criteria: DASA Assertion Criteria. Collection method: clinical testing. Allele origin: germline.
Comment: NM_001171.6(ABCC6):c.4198G>A (p.Glu1400Lys) is a missense variant that results in the substitution of glutamic acid with lysine. This variant has been recurrently observed in individuals with related phenotype (PMID: 15086542; PMID: 15459974; PMID: 23572048; PMID: 15894595; PMID: 18347285). Segregation evidence has been reported in affected families. The variant is present at low frequency in population datasets. Based on the available data, this variant is classified as pathogenic.

Variantyx, Inc.
Classification: Likely pathogenic for Autosomal recessive ABCC6-related disorders. Last evaluated: 2025-11-13. Review status: criteria provided, single submitter. Criteria: Variantyx Assertion Criteria 2022. Collection method: clinical testing. Allele origin: germline. Inheritance: Autosomal recessive inheritance.
Comment: This is a nonsynonymous variant in the ABCC6 gene (OMIM: 603234). Pathogenic variants in this gene have been associated with autosomal recessive ABCC6-related disorders. This variant has been identified in the homozygous or compound heterozygous state in several individuals with Pseudoxanthoma elasticum reported in the published literature (PMID: 15086542, 32873932) (PM3_Strong). It lies within a known hotspot for pathogenic variants or a well-established critical functional domain of the ABCC6 protein (PMID: 15086542) (PM1), and it has a 0.0099% maximum allele frequency in non-founder control populations (PM2). Based on the current evidence, this variant is classified as likely pathogenic for autosomal recessive ABCC6-related disorders.

Labcorp Genetics (formerly Invitae), Labcorp
Classification: Pathogenic. Last evaluated: 2025-07-08. Review status: criteria provided, single submitter. Criteria: Invitae Variant Classification Sherloc (09022015). Collection method: clinical testing. Allele origin: germline.
Comment: This sequence change replaces glutamic acid, which is acidic and polar, with lysine, which is basic and polar, at codon 1400 of the ABCC6 protein (p.Glu1400Lys). This variant is present in population databases (rs63751241, gnomAD 0.01%). This missense change has been observed in individual(s) with pseudoxanthoma elasticum (PMID: 15086542, 15459974, 23572048). In at least one individual the data is consistent with being in trans (on the opposite chromosome) from a pathogenic variant. ClinVar contains an entry for this variant (Variation ID: 433353). Invitae Evidence Modeling of protein sequence and biophysical properties (such as structural, functional, and spatial information, amino acid conservation, physicochemical variation, residue mobility, and thermodynamic stability) has been performed for this missense variant. However, the output from this modeling did not meet the statistical confidence thresholds required to predict the impact of this variant on ABCC6 protein function. For these reasons, this variant has been classified as Pathogenic.

Blueprint Genetics
Classification: Pathogenic for ABCC6-related disorders. Last evaluated: 2023-12-20. Review status: criteria provided, single submitter. Criteria: ACMG Guidelines, 2015. Collection method: clinical testing. Allele origin: germline. Affected: yes. Observed: 5 variant alleles.

Department of Pathology and Laboratory Medicine, Sinai Health System
Classification: Pathogenic for Arterial calcification, generalized, of infancy, 2; Pseudoxanthoma elasticum, forme fruste; Autosomal recessive inherited pseudoxanthoma elasticum. Last evaluated: 2023-09-29. Review status: criteria provided, single submitter. Criteria: ACMG Guidelines, 2015. Collection method: research. Allele origin: germline.

PXE International
Classification: Pathogenic for Autosomal recessive inherited pseudoxanthoma elasticum. Last evaluated: 2021-03-01. Review status: no assertion criteria provided. Collection method: research. Allele origin: germline. Inheritance: Autosomal recessive inheritance. Affected: yes. Observed: 15 variant alleles. Clinical features observed: Angioid streaks (HP:0001102), Papule (HP:0200034), Skin plaque (HP:0200035), Weak or absent arterial pulse, Angina pectoris (HP:0001681), Abnormal EKG (HP:0003115), Abnormally lax or hyperextensible skin (HP:0008067), Medial calcification of large arteries (HP:0004966), Intermittent claudication (HP:0004417), Stroke disorder (HP:0001297), Kidney stone (HP:0000787), Retinal hemorrhage (HP:0000573), and 1 more. Not counted in ClinVar's aggregate classification.

Literature cited by the submitters: PubMed 15086542 (cited by 3 submitters); PubMed 15459974 (cited by Dasa and Labcorp Genetics (formerly Invitae), Labcorp); PubMed 23572048 (cited by Dasa and Labcorp Genetics (formerly Invitae), Labcorp); PubMed 15894595 (cited by Dasa); PubMed 18347285 (cited by Dasa); PubMed 28102862 (cited by Dasa); PubMed 32873932 (cited by Variantyx, Inc. and PXE International).

NM_001171.6(ABCC6):c.4198G>A (p.Glu1400Lys)

Gene: ABCC6 (ATP binding cassette subfamily C member 6; minus strand). Cytogenetic location: 16p13.11.
Variant type: single nucleotide variant.
Coding change: c.4198G>A on transcript NM_001171.6 (MANE Select); coding-DNA position 4198, G replaced by A.
Protein change: p.Glu1400Lys; replaces glutamic acid 1400 with lysine.
Molecular consequence: missense variant. On other transcripts: non-coding transcript variant (1).
Genome position (GRCh38, 1-based): chr16:16,154,638, C>T on the plus strand (G>A on the coding strand, the complement: ABCC6 is on the minus strand). VCF-style: chr16-16154638-C-T. GRCh37 (hg19) VCF-style: chr16-16248495-C-T.
Other names: c.3856G>A, p.Glu1286Lys (NM_001351800.1); short protein forms E1400K, E1286K.
Identifiers: ClinVar variation 433353 (VCV000433353.12), dbSNP rs63751241, ClinGen allele CA7925287.